The following is an entry in ClinVar:

ClinVar aggregate classification (germline): Conflicting classifications of pathogenicity. Review status: criteria provided, conflicting classifications (1 of 4 stars). 2 submissions from 2 submitters: Likely pathogenic (1); Uncertain significance (1). Last evaluated 2026-01-25.

Conditions:
Dilated cardiomyopathy 1G (CMD1G). Identifiers: Orphanet 154, MedGen C1858763, MONDO:0011400, OMIM 604145.
Autosomal recessive limb-girdle muscular dystrophy type 2J (LGMDR10). Also called: Limb-girdle muscular dystrophy, type 2J; MUSCULAR DYSTROPHY, LIMB-GIRDLE, AUTOSOMAL RECESSIVE 10. Identifiers: Orphanet 140922, MedGen C1837342, MONDO:0012127, OMIM 608807.

gnomAD v4.1: 1 of 1,614,048 alleles (0.000062%); highest among the groups gnomAD compares: Non-Finnish European, 0.000085%; no homozygotes.

Submissions (2):

Labcorp Genetics (formerly Invitae), Labcorp
Classification: Likely pathogenic for Dilated cardiomyopathy 1G; Autosomal recessive limb-girdle muscular dystrophy type 2J. Last evaluated: 2026-01-25. Review status: criteria provided, single submitter. Criteria: Invitae Variant Classification Sherloc (09022015). Collection method: clinical testing. Allele origin: germline.
Comment: This sequence change affects a donor splice site in intron 30 of the TTN gene. It is expected to disrupt RNA splicing and likely results in a truncated or disrupted TTN protein. This variant is not present in population databases (gnomAD no frequency). This variant has not been reported in the literature in individuals affected with TTN-related conditions. ClinVar contains an entry for this variant (Variation ID: 2931815). Algorithms developed to predict the effect of sequence changes on RNA splicing suggest that this variant may disrupt the consensus splice site. This variant is located in the I band of TTN (PMID: 25589632). Truncating variants in this region have been reported in individuals affected with autosomal recessive centronuclear myopathy (PMID: 23975875, internal data). Truncating variants in this region have also been identified in individuals affected with autosomal dominant dilated cardiomyopathy and/or cardio-related conditions (PMID: 27869827, 32964742, internal data). In summary, the currently available evidence indicates that the variant is pathogenic, but additional data are needed to prove that conclusively. Therefore, this variant has been classified as Likely Pathogenic.

Blueprint Genetics
Classification: Uncertain significance. Last evaluated: 2024-11-20. Review status: criteria provided, single submitter. Criteria: ACMG Guidelines, 2015. Collection method: clinical testing. Allele origin: germline.

Literature cited by the submitters: PubMed 25589632 (cited by Labcorp Genetics (formerly Invitae), Labcorp); PubMed 23975875 (cited by Labcorp Genetics (formerly Invitae), Labcorp); PubMed 27869827 (cited by Labcorp Genetics (formerly Invitae), Labcorp); PubMed 32964742 (cited by Labcorp Genetics (formerly Invitae), Labcorp).

NM_001267550.2(TTN):c.7057+1G>C

Genes: TTN (titin; minus strand), LOC126806433 (BRD4-independent group 4 enhancer GRCh37_chr2:179638309-179639508; plus strand). Cytogenetic location: 2q31.2.
Variant type: single nucleotide variant.
Coding change: c.7057+1G>C on transcript NM_001267550.2 (MANE Select); the canonical splice donor site of the intron after coding-DNA position 7057, G replaced by C.
Molecular consequence: splice donor variant.
Genome position (GRCh38, 1-based): chr2:178,774,206, C>G on the plus strand (G>C on the coding strand, the complement: TTN is on the minus strand). VCF-style: chr2-178774206-C-G. GRCh37 (hg19) VCF-style: chr2-179638933-C-G.
Other names: c.6919+1G>C (NM_003319.4, NM_133437.4, NM_133432.3); c.7057+1G>C (NM_133378.4, NM_001256850.1, NM_133379.5).
Identifiers: ClinVar variation 2931815 (VCV002931815.4), dbSNP rs763909866, ClinGen allele CA349681118.